The following is an entry in ClinVar:

ClinVar aggregate classification (germline): Pathogenic (1 of 4 stars; one submission).

Submission:

GeneDx
Classification: Pathogenic. Last evaluated: 2023-10-25. Review status: criteria provided, single submitter. Criteria: GeneDx Variant Classification Process June 2021. Collection method: clinical testing. Allele origin: germline. Affected: yes.
Comment: Not observed at significant frequency in large population cohorts (gnomAD); Missense variants in this gene are a common cause of disease and they are underrepresented in the general population; In silico analysis supports that this missense variant has a deleterious effect on protein structure/function; Has not been previously published as pathogenic or benign to our knowledge

NM_001040142.2(SCN2A):c.4730A>G (p.Glu1577Gly)

Gene: SCN2A (sodium voltage-gated channel alpha subunit 2; plus strand). Cytogenetic location: 2q24.3.
Variant type: single nucleotide variant.
Coding change: c.4730A>G on transcript NM_001040142.2 (MANE Select); coding-DNA position 4730, A replaced by G.
Protein change: p.Glu1577Gly; replaces glutamic acid 1577 with glycine.
Molecular consequence: missense variant.
Genome position (GRCh38, 1-based): chr2:165,386,924, A>G. VCF-style: chr2-165386924-A-G. GRCh37 (hg19) VCF-style: chr2-166243434-A-G.
Other names: c.4730A>G, p.Glu1577Gly (NM_001040143.2, NM_001371246.1, NM_001371247.1 and 1 more transcripts); short protein forms E1577G.
Identifiers: ClinVar variation 2662818 (VCV002662818.1), dbSNP rs2468149925, ClinGen allele CA349036655.